The following is an entry in ClinVar:

ClinVar aggregate classification (germline): Uncertain significance (1 of 4 stars; one submission).

Allele frequency attached by ClinVar (database versions not stated): TOPMed below 0.00001; gnomAD 0.00001; gnomAD exomes 0.00003; ExAC 0.00019; 1000 Genomes Project 0.00020; 1000 Genomes Project 30x 0.00031.
gnomAD v4.1: 24 of 1,548,326 alleles (0.0016%); highest among the groups gnomAD compares: South Asian, 0.022%; no homozygotes.

Submission:

Labcorp Genetics (formerly Invitae), Labcorp
Classification: Uncertain significance. Last evaluated: 2024-02-17. Review status: criteria provided, single submitter. Criteria: Invitae Variant Classification Sherloc (09022015). Collection method: clinical testing. Allele origin: germline.
Comment: This sequence change replaces glycine, which is neutral and non-polar, with glutamic acid, which is acidic and polar, at codon 10 of the APOPT1 protein (p.Gly10Glu). The frequency data for this variant in the population databases is considered unreliable, as metrics indicate poor data quality at this position in the gnomAD database. This variant has not been reported in the literature in individuals affected with APOPT1-related conditions. ClinVar contains an entry for this variant (Variation ID: 1681851). An algorithm developed to predict the effect of missense changes on protein structure and function (PolyPhen-2) suggests that this variant is likely to be tolerated. In summary, the available evidence is currently insufficient to determine the role of this variant in disease. Therefore, it has been classified as a Variant of Uncertain Significance.

NM_001370595.2(COA8):c.-11G>A

Gene: COA8 (cytochrome c oxidase assembly factor 8; plus strand). Cytogenetic location: 14q32.33.
Variant type: single nucleotide variant.
Coding change: c.-11G>A on transcript NM_001370595.2 (MANE Select); 11 bases upstream of the start codon, G replaced by A.
Molecular consequence: 5 prime UTR variant. On other transcripts: non-coding transcript variant (2).
Genome position (GRCh38, 1-based): chr14:103,562,991, G>A. VCF-style: chr14-103562991-G-A. GRCh37 (hg19) VCF-style: chr14-104029328-G-A.
Other names: c.-11G>A (NM_001302653.2, NM_001302654.2).
Identifiers: ClinVar variation 1681851 (VCV001681851.8), dbSNP rs547471485, ClinGen allele CA7365374.